The following is an entry in ClinVar:

NM_001127208.3(TET2):c.97A>C (p.Lys33Gln)

Genes: TET2 (tet methylcytosine dioxygenase 2; plus strand), TET2-AS1 (TET2 antisense RNA 1; minus strand). Cytogenetic location: 4q24.
Variant type: single nucleotide variant.
Coding change: c.97A>C on transcript NM_001127208.3 (MANE Select); coding-DNA position 97, A replaced by C.
Protein change: p.Lys33Gln; replaces lysine 33 with glutamine.
Molecular consequence: missense variant.
Genome position (GRCh38, 1-based): chr4:105,234,039, A>C. VCF-style: chr4-105234039-A-C. GRCh37 (hg19) VCF-style: chr4-106155196-A-C.
Other names: c.97A>C, p.Lys33Gln (NM_017628.4); short protein forms K33Q.
Identifiers: ClinVar variation 5030786 (VCV005030786.1).

ClinVar aggregate classification (germline): Uncertain significance (1 of 4 stars; one submission).

Submission:

Ambry Genetics
Classification: Uncertain significance. Last evaluated: 2026-09-08. Review status: criteria provided, single submitter. Criteria: Ambry Variant Classification Scheme 2023. Collection method: clinical testing. Allele origin: germline.
Comment: The p.K33Q variant (also known as c.97A>C), located in coding exon 1 of the TET2 gene, results from an A to C substitution at nucleotide position 97. The lysine at codon 33 is replaced by glutamine, an amino acid with similar properties. This amino acid position is conserved. In addition, this alteration is predicted to be tolerated by in silico analysis. Based on the available evidence, the clinical significance of this variant remains unclear.